The following is an entry in ClinVar:

NM_001792.5(CDH2):c.846T>C (p.Pro282=)

Gene: CDH2 (cadherin 2; minus strand). Cytogenetic location: 18q12.1.
Variant type: single nucleotide variant.
Coding change: c.846T>C on transcript NM_001792.5 (MANE Select); coding-DNA position 846, T replaced by C.
Protein change: p.Pro282=; no amino-acid change (proline 282 retained).
Molecular consequence: synonymous variant.
Genome position (GRCh38, 1-based): chr18:28,005,850, A>G on the plus strand (T>C on the coding strand, the complement: CDH2 is on the minus strand). VCF-style: chr18-28005850-A-G. GRCh37 (hg19) VCF-style: chr18-25585814-A-G.
Other names: c.753T>C, p.Pro251= (NM_001308176.2).
Identifiers: ClinVar variation 2992671 (VCV002992671.3), dbSNP rs200547719, ClinGen allele CA8923599.
Genomic context (GRCh38, chr18:28,005,850, plus strand): 5'-AGGGCTGGTTACACCATACTTTCCTCAAGTCATCTTCAAATTATTATCTTTAAACTTACC[A>G]GGCTTTGATCCCTCAGGAACTGTCCCATTCCAAACCTGGTGTAAGAACTCAGGTCTGTTG-3'
Protein context (NP_001783.2, residues 272-292): WNGTVPEGSK[Pro282=]GTYVMTVTAI

ClinVar aggregate classification (germline): Uncertain significance (1 of 4 stars; one submission).

Allele frequency attached by ClinVar (database versions not stated): TOPMed 0.00001; gnomAD 0.00002; ExAC 0.00002; gnomAD exomes 0.00001.
gnomAD v4.1: 19 of 1,608,328 alleles (0.0012%); highest among the groups gnomAD compares: Non-Finnish European, 0.0015%; no homozygotes.

Submission:

Labcorp Genetics (formerly Invitae), Labcorp
Classification: Uncertain significance. Last evaluated: 2025-12-21. Review status: criteria provided, single submitter. Criteria: Invitae Variant Classification Sherloc (09022015). Collection method: clinical testing. Allele origin: germline.
Comment: This sequence change affects codon 282 of the CDH2 mRNA. It is a 'silent' change, meaning that it does not change the encoded amino acid sequence of the CDH2 protein. It affects a nucleotide within the consensus splice site. This variant is present in population databases (rs200547719, gnomAD 0.005%). This variant has not been reported in the literature in individuals affected with CDH2-related conditions. ClinVar contains an entry for this variant (Variation ID: 2992671). Algorithms developed to predict the effect of sequence changes on RNA splicing suggest that this variant is not likely to affect RNA splicing. In summary, the available evidence is currently insufficient to determine the role of this variant in disease. Therefore, it has been classified as a Variant of Uncertain Significance.